The following is an entry in ClinVar:

NM_000059.4(BRCA2):c.-52A>G

Genes: BRCA2 (BRCA2 DNA repair associated; plus strand), LOC106721785 (BRCA2 promoter/silencer region; plus strand). Cytogenetic location: 13q13.1.
Variant type: single nucleotide variant.
Coding change: c.-52A>G on transcript NM_000059.4 (MANE Select); 52 bases upstream of the start codon, A replaced by G.
Molecular consequence: 5 prime UTR variant.
Genome position (GRCh38, 1-based): chr13:32,315,655, A>G. VCF-style: chr13-32315655-A-G. GRCh37 (hg19) VCF-style: chr13-32889792-A-G.
Other names: 176 A>G.
Identifiers: ClinVar variation 209600 (VCV000209600.19), dbSNP rs206118, ClinGen allele CA276569.

ClinVar aggregate classification (germline): Benign. Review status: reviewed by expert panel (3 of 4 stars). 8 submissions from 7 submitters: Benign (1). 7 of the submissions do not count toward it. Last evaluated 2015-01-12.

Conditions:
Hereditary breast ovarian cancer syndrome. Also called: Hereditary breast and ovarian cancer syndrome; Hereditary breast and ovarian cancer; Hereditary breast and ovarian cancer syndrome (HBOC); Breast and ovarian cancer; Hereditary breast and/or ovarian cancer syndrome; BRCA1- and BRCA2-Associated Hereditary Breast and Ovarian Cancer. Identifiers: Orphanet 145, MedGen C0677776, MeSH D061325, MONDO:0003582. Disease mechanism: loss of function.
Fanconi anemia complementation group D1. Also called: BRCA2-Related Fanconi Anemia. Identifiers: Orphanet 319462, MedGen C1838457, MONDO:0011584, OMIM 605724.
Breast-ovarian cancer, familial, susceptibility to, 2 (BROVCA2). Also called: BRCA2 Hereditary Breast and Ovarian Cancer. Identifiers: Orphanet 145, MedGen C2675520, MONDO:0012933, OMIM 612555. Disease mechanism: loss of function.

Allele frequency attached by ClinVar (database versions not stated): gnomAD exomes 0.11702; 1000 Genomes Project 0.14856; 1000 Genomes Project 30x 0.14959; gnomAD 0.15527 and 0.15771; TOPMed 0.16088.
gnomAD v4.1: 23,943 of 152,242 alleles (16%); highest among the groups gnomAD compares: Middle Eastern, 23%; 1,996 homozygotes.

Submissions (8):

Evidence-based Network for the Interpretation of Germline Mutant Alleles (ENIGMA)
Classification: Benign for Breast-ovarian cancer, familial 2. Last evaluated: 2015-01-12. Review status: reviewed by expert panel. Criteria: ENIGMA BRCA1/2 Classification Criteria (2015). Collection method: curation. Allele origin: germline.
Comment: Class 1 not pathogenic based on frequency >1% in an outbred sampleset. Frequency 0.1836 (Asian), 0.126 (African), 0.1636 (European), derived from 1000 genomes (2012-04-30).

Labcorp Genetics (formerly Invitae), Labcorp
Classification: Benign for Hereditary breast ovarian cancer syndrome. Last evaluated: 2026-02-04. Review status: criteria provided, single submitter. Criteria: Invitae Variant Classification Sherloc (09022015). Collection method: clinical testing. Allele origin: germline. Not counted in ClinVar's aggregate classification.

Blueprint Genetics
Classification: Benign. Last evaluated: 2024-11-27. Review status: criteria provided, single submitter. Criteria: ACMG Guidelines, 2015. Collection method: clinical testing. Allele origin: germline. Not counted in ClinVar's aggregate classification.

Illumina Laboratory Services, Illumina
Classification: Benign for Breast-ovarian cancer, familial, susceptibility to, 2. Last evaluated: 2018-01-13. Review status: criteria provided, single submitter. Criteria: ICSL Variant Classification Criteria 13 December 2019. Collection method: clinical testing. Allele origin: germline. Not counted in ClinVar's aggregate classification.
Comment: This variant was observed in the ICSL laboratory as part of a predisposition screen in an ostensibly healthy population. It had not been previously curated by ICSL or reported in the Human Gene Mutation Database (HGMD: prior to June 1st, 2018), and was therefore a candidate for classification through an automated scoring system. Utilizing variant allele frequency, disease prevalence and penetrance estimates, and inheritance mode, an automated score was calculated to assess if this variant is too frequent to cause the disease. Based on the score and internal cut-off values, a variant classified as benign is not then subjected to further curation. The score for this variant resulted in a classification of benign for this disease.

Illumina Laboratory Services, Illumina
Classification: Benign for Fanconi anemia complementation group D1. Last evaluated: 2018-01-13. Review status: criteria provided, single submitter. Criteria: ICSL Variant Classification Criteria 13 December 2019. Collection method: clinical testing. Allele origin: germline. Not counted in ClinVar's aggregate classification.
Comment: the same text as in the submission from Illumina Laboratory Services, Illumina above.

GeneKor MSA
Classification: Benign. Last evaluated: 2017-11-01. Review status: criteria provided, single submitter. Criteria: ACMG Guidelines, 2015. Collection method: clinical testing. Allele origin: germline. Affected: yes. Not counted in ClinVar's aggregate classification.

GeneDx
Classification: Benign. Last evaluated: 2015-03-03. Review status: criteria provided, single submitter. Criteria: GeneDx Variant Classification Process June 2021. Collection method: clinical testing. Allele origin: germline. Affected: yes. Not counted in ClinVar's aggregate classification.

Breakthrough Genomics
Classification: Benign. Review status: criteria provided, single submitter. Criteria: ACMG Guidelines, 2015. Collection method: not provided. Allele origin: germline. Inheritance: Autosomal recessive inheritance. Affected: yes. Not counted in ClinVar's aggregate classification.